The following is an entry in ClinVar:

NM_001164508.2(NEB):c.13068C>A (p.Tyr4356Ter)

Gene: NEB (nebulin; minus strand). Cytogenetic location: 2q23.3.
Variant type: single nucleotide variant.
Coding change: c.13068C>A on transcript NM_001164508.2 (MANE Select); coding-DNA position 13068, C replaced by A.
Protein change: p.Tyr4356Ter; replaces tyrosine 4356 with a stop codon.
Molecular consequence: nonsense. On other transcripts: intron variant (1).
Genome position (GRCh38, 1-based): chr2:151,603,764, G>T on the plus strand (C>A on the coding strand, the complement: NEB is on the minus strand). VCF-style: chr2-151603764-G-T. GRCh37 (hg19) VCF-style: chr2-152460278-G-T.
Other names: c.13068C>A, p.Tyr4356Ter (NM_001164507.2, NM_001271208.2); c.11601+6045C>A (NM_004543.5); short protein forms Y4356*.
Identifiers: ClinVar variation 1996542 (VCV001996542.4), dbSNP rs2153931607, ClinGen allele CA348772624.

ClinVar aggregate classification (germline): Pathogenic (1 of 4 stars; one submission).

Conditions:
Nemaline myopathy 2 (NEM2). Also called: Nemaline myopathy 2, autosomal recessive. Identifiers: MedGen C1850569, MONDO:0009725, OMIM 256030.

Submission:

Labcorp Genetics (formerly Invitae), Labcorp
Classification: Pathogenic for Nemaline myopathy 2. Last evaluated: 2022-07-31. Review status: criteria provided, single submitter. Criteria: Invitae Variant Classification Sherloc (09022015). Collection method: clinical testing. Allele origin: germline.
Comment: For these reasons, this variant has been classified as Pathogenic. This variant has not been reported in the literature in individuals affected with NEB-related conditions. The frequency data for this variant in the population databases (gnomAD) is considered unreliable due to the presence of homologous sequence, such as pseudogenes or paralogs, in the genome. This sequence change creates a premature translational stop signal (p.Tyr4356*) in the NEB gene. It is expected to result in an absent or disrupted protein product. Loss-of-function variants in NEB are known to be pathogenic (PMID: 25205138). This variant occurs in a region of NEB (Exons 82-105) consisting of three highly homologous 8-exon repeat units (exons 82-89, exons 90-97, exons 98-105). Sequence variants in this region can be detected, but this assay cannot determine which of the three repeat units is affected, and zygosity is often ambiguous. All variants in this region are reported relative to the exon 82-89 repeat.

Literature cited by the submitters: PubMed 25205138.